The following is an entry in ClinVar:

ClinVar aggregate classification (germline): Uncertain significance (1 of 4 stars; one submission).

Conditions:
Brachyolmia-amelogenesis imperfecta syndrome. Also called: PLATYSPONDYLY WITH AMELOGENESIS IMPERFECTA; Tooth agenesis, selective, 6; Dental anomalies and short stature. Identifiers: Orphanet 2899, MedGen C1832594, MONDO:0011018, OMIM 601216. Disease mechanism: loss of function.

Submission:

Labcorp Genetics (formerly Invitae), Labcorp
Classification: Uncertain significance for Brachyolmia-amelogenesis imperfecta syndrome. Last evaluated: 2023-11-03. Review status: criteria provided, single submitter. Criteria: Invitae Variant Classification Sherloc (09022015). Collection method: clinical testing. Allele origin: germline.
Comment: This sequence change replaces aspartic acid, which is acidic and polar, with glutamic acid, which is acidic and polar, at codon 744 of the LTBP3 protein (p.Asp744Glu). This variant is not present in population databases (gnomAD no frequency). This variant has not been reported in the literature in individuals affected with LTBP3-related conditions. An algorithm developed to predict the effect of missense changes on protein structure and function (PolyPhen-2) suggests that this variant is likely to be disruptive. In summary, the available evidence is currently insufficient to determine the role of this variant in disease. Therefore, it has been classified as a Variant of Uncertain Significance.

NM_001130144.3(LTBP3):c.2232C>G (p.Asp744Glu)

Genes: LTBP3 (latent transforming growth factor beta binding protein 3; minus strand), LOC130006029 (ATAC-STARR-seq lymphoblastoid silent region 3532; plus strand). Cytogenetic location: 11q13.1.
Variant type: single nucleotide variant.
Coding change: c.2232C>G on transcript NM_001130144.3 (MANE Select); coding-DNA position 2232, C replaced by G.
Protein change: p.Asp744Glu; replaces aspartic acid 744 with glutamic acid.
Molecular consequence: missense variant.
Genome position (GRCh38, 1-based): chr11:65,546,563, G>C on the plus strand (C>G on the coding strand, the complement: LTBP3 is on the minus strand). VCF-style: chr11-65546563-G-C. GRCh37 (hg19) VCF-style: chr11-65314034-G-C.
Other names: c.1881C>G, p.Asp627Glu (NM_001164266.1); c.2232C>G, p.Asp744Glu (NM_021070.4); short protein forms D627E, D744E.
Identifiers: ClinVar variation 2732378 (VCV002732378.3), dbSNP rs1301932570, ClinGen allele CA381269832.
Genomic context (GRCh38, chr11:65,546,563, plus strand): 5'-GCCCGGGAGGTTCTCGCACCAGCCAGGCGAGCAGGGGCTGCCCTCGGCGCACTCGTTCAC[G>C]TCTGCGGCGGAAAGACCTAGCCTCGGACTCTGCCCCACCGGAAGGCGGACCGCGCACCTC-3'
Protein context (NP_001123616.1, residues 734-754): YRSQGGGACR[Asp744Glu]VNECAEGSPC